The following is an entry in ClinVar:

NM_001195427.2(SRSF2):c.274_300del (p.Tyr92_His100del)

Genes: MFSD11 (major facilitator superfamily domain containing 11; plus strand), SRSF2 (serine and arginine rich splicing factor 2; minus strand). Cytogenetic location: 17q25.1.
Variant type: Deletion.
Coding change: c.274_300del on transcript NM_001195427.2 (MANE Select); coding-DNA positions 274 to 300, 27 bases deleted (TACGGCCGCCCCCCGGACTCACACCAC).
Protein change: p.Tyr92_His100del.
Molecular consequence: inframe deletion. On other transcripts: non-coding transcript variant (4), 5 prime UTR variant (2).
Genome position (GRCh38, 1-based): chr17:76,736,861-76,736,887, GTGGTGTGAGTCCGGGGGGCGGCCGTA deleted on the plus strand (TACGGCCGCCCCCCGGACTCACACCAC on the coding strand, the reverse complement: SRSF2 is on the minus strand); deleting any 27 consecutive bases within chr17:76,736,861-76,736,888 gives the same sequence; the c. name uses the placement nearest the transcript's 3' end. VCF-style (leftmost placement, unchanged base first): chr17-76736860-TGTGGTGTGAGTCCGGGGGGCGGCCGTA-T. GRCh37 (hg19) VCF-style: chr17-74732942-TGTGGTGTGAGTCCGGGGGGCGGCCGTA-T.
Other names: c.274_300del, p.Tyr92_His100del (NM_003016.5); c.-301_-275del (NM_001242534.3); c.-296_-270del (NM_001353017.2).
Identifiers: ClinVar variation 4530302 (VCV004530302.1).
Genomic context (GRCh38, chr17:76,736,860, plus strand): 5'-TGCGGCTCCGGCGTCCGTAGCCACCGCCCCCGTACCTGCGGGGTGGCGGTCCCCGGCGGC[TGTGGTGTGAGTCCGGGGGGCGGCCGTA>T]GCGCGCCATTTGCACCCGCAGCTCGCGGCCGTCCAGCACGGCCCCGTCCATGGCATCCAT-3'

ClinVar aggregate classification (somatic clinical impact): Tier II - Potential (1 of 4 stars; one submission).

Conditions:
Meningeal melanocytoma. Identifiers: Orphanet 252046, MedGen C1266113, MONDO:0016746.

Submission:

Institute for Genomic Medicine (IGM) Clinical Laboratory, Nationwide Children's Hospital
Classification: Tier II - Potential for Meningeal melanocytoma. Assertion type: diagnostic. Clinical significance: supports diagnosis. Last evaluated: 2025-03-14. Review status: criteria provided, single submitter. Criteria: AMP/ASCO/CAP Guidelines, 2017. Collection method: clinical testing. Allele origin: somatic. Affected: yes.
Comment: Variant has Tier II (potential) clinical significance as a diagnostic inclusion criterion in meningeal melanocytoma, based on the following evidence: 1) Documented in one or more cancer databases (e.g., St. Jude Pecan, COSMIC, CIViC, OncoKB). 2) Information in the literature supports potential biologic effect of variant (PMIDs: 31961934, 34353217). 3) Diagnostic significance based on multiple small studies (Evidence Level C; PMIDs: 21909114, 25550361, 31357599, 31426461, 34353217).

Literature cited by the submitters: PubMed 31961934; PubMed 34353217; PubMed 21909114; PubMed 25550361; PubMed 31357599; PubMed 31426461.